The following is an entry in ClinVar:

ClinVar aggregate classification (germline): Uncertain significance (1 of 4 stars; one submission).

Allele frequency attached by ClinVar (database versions not stated): ExAC 0.00008; gnomAD 0.00013.

Submission:

Labcorp Genetics (formerly Invitae), Labcorp
Classification: Uncertain significance. Last evaluated: 2025-02-03. Review status: criteria provided, single submitter. Criteria: Invitae Variant Classification Sherloc (09022015). Collection method: clinical testing. Allele origin: germline.
Comment: This sequence change replaces glycine, which is neutral and non-polar, with serine, which is neutral and polar, at codon 454 of the ESPN protein (p.Gly454Ser). This variant is present in population databases (rs546499647, gnomAD 0.02%). This variant has not been reported in the literature in individuals affected with ESPN-related conditions. ClinVar contains an entry for this variant (Variation ID: 2085800). An algorithm developed to predict the effect of missense changes on protein structure and function (PolyPhen-2) suggests that this variant is likely to be tolerated. Algorithms developed to predict the effect of sequence changes on RNA splicing suggest that this variant may create or strengthen a splice site. In summary, the available evidence is currently insufficient to determine the role of this variant in disease. Therefore, it has been classified as a Variant of Uncertain Significance.

NM_031475.3(ESPN):c.1360G>A (p.Gly454Ser)

Gene: ESPN (espin; plus strand). Cytogenetic location: 1p36.31.
Variant type: single nucleotide variant.
Coding change: c.1360G>A on transcript NM_031475.3 (MANE Select); coding-DNA position 1360, G replaced by A.
Protein change: p.Gly454Ser; replaces glycine 454 with serine.
Molecular consequence: missense variant.
Genome position (GRCh38, 1-based): chr1:6,445,831, G>A. VCF-style: chr1-6445831-G-A. GRCh37 (hg19) VCF-style: chr1-6505891-G-A.
Other names: c.1360G>A, p.Gly454Ser (NM_001367473.1, NM_001367474.1); short protein forms G454S.
Identifiers: ClinVar variation 2085800 (VCV002085800.3), dbSNP rs546499647, ClinGen allele CA560206.
Genomic context (GRCh38, chr1:6,445,831, plus strand): 5'-CCACCCAGCTTCCCCCCGCCACCCCCGCCCCCAGGCACCCAACTGCCCCCACCCCCACCT[G>A]GCTACCCAGCTCCCAAGCCTCCTGTAGGACCACAGGCAGCTGACATCTACATGCAGACCA-3'
Protein context (NP_113663.2, residues 444-464): PGTQLPPPPP[Gly454Ser]YPAPKPPVGP